The following is an entry in ClinVar:

ClinVar aggregate classification (germline): Uncertain significance (1 of 4 stars; one submission).

Conditions:
Duchenne muscular dystrophy (DMD). Also called: MUSCULAR DYSTROPHY, PSEUDOHYPERTROPHIC PROGRESSIVE, DUCHENNE TYPE; Duchenne Muscular Dystrophy (DMD). Identifiers: Orphanet 98896, MedGen C0013264, MONDO:0010679, OMIM 310200.

Submission:

Labcorp Genetics (formerly Invitae), Labcorp
Classification: Uncertain significance for Duchenne muscular dystrophy. Last evaluated: 2022-06-03. Review status: criteria provided, single submitter. Criteria: Invitae Variant Classification Sherloc (09022015). Collection method: clinical testing. Allele origin: germline.
Comment: In summary, the available evidence is currently insufficient to determine the role of this variant in disease. Therefore, it has been classified as a Variant of Uncertain Significance. Algorithms developed to predict the effect of missense changes on protein structure and function output the following: SIFT: "Tolerated"; PolyPhen-2: "Possibly Damaging"; Align-GVGD: "Class C0". The glutamine amino acid residue is found in multiple mammalian species, which suggests that this missense change does not adversely affect protein function. ClinVar contains an entry for this variant (Variation ID: 455941). This variant has not been reported in the literature in individuals affected with DMD-related conditions. This variant is not present in population databases (gnomAD no frequency). This sequence change replaces glutamic acid, which is acidic and polar, with glutamine, which is neutral and polar, at codon 2914 of the DMD protein (p.Glu2914Gln).

NM_004006.3(DMD):c.8740G>C (p.Glu2914Gln)

Gene: DMD (dystrophin; minus strand). Cytogenetic location: Xp21.2.
Variant type: single nucleotide variant.
Coding change: c.8740G>C on transcript NM_004006.3 (MANE Select); coding-DNA position 8740, G replaced by C.
Protein change: p.Glu2914Gln; replaces glutamic acid 2914 with glutamine.
Molecular consequence: missense variant.
Genome position (GRCh38, 1-based): chrX:31,478,303, C>G on the plus strand (G>C on the coding strand, the complement: DMD is on the minus strand). VCF-style: chrX-31478303-C-G. GRCh37 (hg19) VCF-style: chrX-31496420-C-G.
Other names: c.8716G>C, p.Glu2906Gln (NM_000109.4); c.8728G>C, p.Glu2910Gln (NM_004009.3); c.8371G>C, p.Glu2791Gln (NM_004010.3); c.4717G>C, p.Glu1573Gln (NM_004011.4); c.4708G>C, p.Glu1570Gln (NM_004012.4); c.1360G>C, p.Glu454Gln (NM_004013.3, NM_004020.4, NM_004021.3 and 2 more transcripts); c.553G>C, p.Glu185Gln (NM_004014.3); short protein forms E2914Q, E2906Q, E2910Q, E1570Q, E1573Q, E185Q, E2791Q, E454Q.
Identifiers: ClinVar variation 455941 (VCV000455941.9), dbSNP rs1556656366, ClinGen allele CA412654265.
Genomic context (GRCh38, chrX:31,478,303, plus strand): 5'-CAAGGGTCTCATCTATTTTTCTCTGCCAGTCAGCGGAGTGCAGGTTCAATTTTTCCCACT[C>G]AGTATTGACCTCCTCAGCCTGCTTTCGTAGAAGCCGAGTGACATTCTGGGCTCTCTCCTC-3'
Protein context (NP_003997.2, residues 2904-2924): LRKQAEEVNT[Glu2914Gln]WEKLNLHSAD